The following is an entry in ClinVar:

ClinVar aggregate classification (germline): Likely benign (0 of 4 stars; one submission).

Conditions:
DCC-related disorder. Also called: DCC-related condition.

Allele frequency attached by ClinVar (database versions not stated): gnomAD exomes 0.00008; ExAC 0.00027; gnomAD 0.00062; TOPMed 0.00074; ESP Exome Variant Server 0.00085.
gnomAD v4.1: 229 of 1,610,296 alleles (0.014%); highest among the groups gnomAD compares: African/African-American, 0.22%; 1 homozygote.

Submission:

PreventionGenetics, part of Exact Sciences
Classification: Likely benign for DCC-related condition. Last evaluated: 2022-05-20. Review status: no assertion criteria provided. Collection method: clinical testing. Allele origin: germline.
Comment: This variant is classified as likely benign based on ACMG/AMP sequence variant interpretation guidelines (Richards et al. 2015 PMID: 25741868, with internal and published modifications).

NM_005215.4(DCC):c.1861G>A (p.Val621Met)

Gene: DCC (DCC netrin 1 receptor; plus strand). Cytogenetic location: 18q21.2.
Variant type: single nucleotide variant.
Coding change: c.1861G>A on transcript NM_005215.4 (MANE Select); coding-DNA position 1861, G replaced by A.
Protein change: p.Val621Met; replaces valine 621 with methionine.
Molecular consequence: missense variant.
Genome position (GRCh38, 1-based): chr18:53,207,817, G>A. VCF-style: chr18-53207817-G-A. GRCh37 (hg19) VCF-style: chr18-50734187-G-A.
Other names: short protein forms V621M.
Identifiers: ClinVar variation 3045915 (VCV003045915.2), dbSNP rs112302456, ClinGen allele CA8966997.